The following is an entry in ClinVar:

ClinVar aggregate classification (germline): Likely benign (0 of 4 stars; one submission).

Conditions:
CUBN-related disorder. Also called: CUBN-related condition.

Allele frequency attached by ClinVar (database versions not stated): gnomAD 0.00001; gnomAD exomes 0.00001; TOPMed 0.00001.
gnomAD v4.1: 13 of 1,614,034 alleles (0.00081%); highest among the groups gnomAD compares: Non-Finnish European, 0.001%; no homozygotes.

Submission:

PreventionGenetics, part of Exact Sciences
Classification: Likely benign for CUBN-related condition. Last evaluated: 2019-09-24. Review status: no assertion criteria provided. Collection method: clinical testing. Allele origin: germline.
Comment: This variant is classified as likely benign based on ACMG/AMP sequence variant interpretation guidelines (Richards et al. 2015 PMID: 25741868, with internal and published modifications).

NM_001081.4(CUBN):c.8175C>T (p.His2725=)

Gene: CUBN (cubilin; minus strand). Cytogenetic location: 10p13.
Variant type: single nucleotide variant.
Coding change: c.8175C>T on transcript NM_001081.4 (MANE Select); coding-DNA position 8175, C replaced by T.
Protein change: p.His2725=; no amino-acid change (histidine 2725 retained).
Molecular consequence: synonymous variant.
Genome position (GRCh38, 1-based): chr10:16,901,347, G>A on the plus strand (C>T on the coding strand, the complement: CUBN is on the minus strand). VCF-style: chr10-16901347-G-A. GRCh37 (hg19) VCF-style: chr10-16943346-G-A.
Identifiers: ClinVar variation 3039767 (VCV003039767.2), dbSNP rs1444382636, ClinGen allele CA468300039.